The following is an entry in ClinVar:

ClinVar aggregate classification (germline): Conflicting classifications of pathogenicity. Review status: criteria provided, conflicting classifications (1 of 4 stars). 4 submissions from 4 submitters: Uncertain significance (1); Likely benign (3). Last evaluated 2026-01-06.

Conditions:
Joubert syndrome 15 (JBTS15). Identifiers: Orphanet 475, MedGen C3280897, MONDO:0013763, OMIM 614464.

Allele frequency attached by ClinVar (database versions not stated): TOPMed 0.00049; ESP Exome Variant Server 0.00054; 1000 Genomes Project 0.00060; 1000 Genomes Project 30x 0.00062.
gnomAD v4.1: 1,013 of 1,593,002 alleles (0.064%); highest among the groups gnomAD compares: Non-Finnish European, 0.08%; 2 homozygotes.

Submissions (4):

Labcorp Genetics (formerly Invitae), Labcorp
Classification: Likely benign for Joubert syndrome 15. Last evaluated: 2026-01-06. Review status: criteria provided, single submitter. Criteria: Invitae Variant Classification Sherloc (09022015). Collection method: clinical testing. Allele origin: germline.

Blueprint Genetics
Classification: Likely benign. Last evaluated: 2024-09-12. Review status: criteria provided, single submitter. Criteria: ACMG Guidelines, 2015. Collection method: clinical testing. Allele origin: germline.

Illumina Laboratory Services, Illumina
Classification: Uncertain significance for Joubert syndrome 15. Last evaluated: 2018-01-13. Review status: criteria provided, single submitter. Criteria: ICSL Variant Classification Criteria 13 December 2019. Collection method: clinical testing. Allele origin: germline.

GeneDx
Classification: Likely benign. Last evaluated: 2017-04-14. Review status: criteria provided, single submitter. Criteria: GeneDx Variant Classification (06012015). Collection method: clinical testing. Allele origin: germline. Affected: yes.
Comment: This variant is considered likely benign or benign based on one or more of the following criteria: it is a conservative change, it occurs at a poorly conserved position in the protein, it is predicted to be benign by multiple in silico algorithms, and/or has population frequency not consistent with disease.

NM_018718.3(CEP41):c.278-15A>C

Gene: CEP41 (centrosomal protein 41; minus strand). Cytogenetic location: 7q32.2.
Variant type: single nucleotide variant.
Coding change: c.278-15A>C on transcript NM_018718.3 (MANE Select); 15 bases into the intron before coding-DNA position 278, A replaced by C.
Molecular consequence: intron variant.
Genome position (GRCh38, 1-based): chr7:130,404,723, T>G on the plus strand (A>C on the coding strand, the complement: CEP41 is on the minus strand). VCF-style: chr7-130404723-T-G. GRCh37 (hg19) VCF-style: chr7-130044564-T-G.
Other names: c.230-15A>C (NM_001257159.2); c.278-15A>C (NM_001257158.2).
Identifiers: ClinVar variation 508800 (VCV000508800.15), dbSNP rs142452124, ClinGen allele CA4485612.
Genomic context (GRCh38, chr7:130,404,723, plus strand): 5'-CTGGCAGTGGTTTCAGCATCAGGGTCTGAAGCTGCAGAATCATTGTCTAATATTTACAAA[T>G]GAAGAAATAATTAGATTGAACCTCAGGATTTGTATTTACTTATTAGTTCCACTGACATTA-3'